The following is an entry in ClinVar:

NM_004415.4(DSP):c.5326G>A (p.Glu1776Lys)

Gene: DSP (desmoplakin; plus strand). Cytogenetic location: 6p24.3.
Variant type: single nucleotide variant.
Coding change: c.5326G>A on transcript NM_004415.4 (MANE Select); coding-DNA position 5326, G replaced by A.
Protein change: p.Glu1776Lys; replaces glutamic acid 1776 with lysine.
Molecular consequence: missense variant. On other transcripts: intron variant (2).
Genome position (GRCh38, 1-based): chr6:7,581,516, G>A. VCF-style: chr6-7581516-G-A. GRCh37 (hg19) VCF-style: chr6-7581749-G-A.
Other names: c.4051-1126G>A (NM_001319034.2); c.3583-1126G>A (NM_001008844.3); short protein forms E1776K.
Identifiers: ClinVar variation 2775324 (VCV002775324.2), dbSNP rs1759441333, ClinGen allele CA362688348.

ClinVar aggregate classification (germline): Uncertain significance (1 of 4 stars; one submission).

Conditions:
Cardiomyopathy (CMYO). Also called: Cardiomyopathies. Identifiers: Orphanet 167848, MedGen C0878544, MONDO:0004994, HP:0001638. Inheritance: Various modes of inheritance.

Submission:

Color Diagnostics, LLC DBA Color Health
Classification: Uncertain significance for Cardiomyopathy. Last evaluated: 2022-12-21. Review status: criteria provided, single submitter. Criteria: ACMG Guidelines, 2015. Collection method: clinical testing. Allele origin: germline.
Comment: This missense variant replaces glutamic acid with lysine at codon 1776 of the DSP protein. Computational prediction is inconclusive regarding the impact of this variant on protein structure and function (internally defined REVEL score threshold 0.5 < inconclusive < 0.7, PMID: 27666373). To our knowledge, functional studies have not been reported for this variant. This variant has not been reported in individuals affected with DSP-related disorders in the literature. This variant has not been identified in the general population by the Genome Aggregation Database (gnomAD). The available evidence is insufficient to determine the role of this variant in disease conclusively. Therefore, this variant is classified as a Variant of Uncertain Significance.